The following is an entry in ClinVar:

NM_005876.5(SPEG):c.4167C>A (p.Ala1389=)

Gene: SPEG (striated muscle enriched protein kinase; plus strand). Cytogenetic location: 2q35.
Variant type: single nucleotide variant.
Coding change: c.4167C>A on transcript NM_005876.5 (MANE Select); coding-DNA position 4167, C replaced by A.
Protein change: p.Ala1389=; no amino-acid change (alanine 1389 retained).
Molecular consequence: synonymous variant.
Genome position (GRCh38, 1-based): chr2:219,473,523, C>A. VCF-style: chr2-219473523-C-A. GRCh37 (hg19) VCF-style: chr2-220338245-C-A.
Identifiers: ClinVar variation 739410 (VCV000739410.24), dbSNP rs370013462, ClinGen allele CA2126432.

ClinVar aggregate classification (germline): Likely benign. Review status: criteria provided, multiple submitters, no conflicts (2 of 4 stars). 3 submissions from 3 submitters: Likely benign (3). Last evaluated 2026-01-27.

Allele frequency attached by ClinVar (database versions not stated): gnomAD exomes 0.00012; 1000 Genomes Project 30x 0.00016; ExAC 0.00016; TOPMed 0.00018; gnomAD 0.00025; ESP Exome Variant Server 0.00072.
gnomAD v4.1: 545 of 1,614,078 alleles (0.034%); highest among the groups gnomAD compares: Non-Finnish European, 0.044%; no homozygotes.

Submissions (3):

Labcorp Genetics (formerly Invitae), Labcorp
Classification: Likely benign. Last evaluated: 2026-01-27. Review status: criteria provided, single submitter. Criteria: Invitae Variant Classification Sherloc (09022015). Collection method: clinical testing. Allele origin: germline.

CeGaT Center for Human Genetics Tuebingen
Classification: Likely benign. Last evaluated: 2024-10-01. Review status: criteria provided, single submitter. Criteria: CeGaT Center For Human Genetics Tuebingen Variant Classification Criteria Version 2. Collection method: clinical testing. Allele origin: germline. Affected: yes. Observed: 1 variant allele.
Comment: SPEG: BP4, BP7

Blueprint Genetics
Classification: Likely benign. Last evaluated: 2024-08-09. Review status: criteria provided, single submitter. Criteria: ACMG Guidelines, 2015. Collection method: clinical testing. Allele origin: germline.